The following is an entry in ClinVar:

NM_005559.4(LAMA1):c.5357A>T (p.Asn1786Ile)

Gene: LAMA1 (laminin subunit alpha 1; minus strand). Cytogenetic location: 18p11.31.
Variant type: single nucleotide variant.
Coding change: c.5357A>T on transcript NM_005559.4 (MANE Select); coding-DNA position 5357, A replaced by T.
Protein change: p.Asn1786Ile; replaces asparagine 1786 with isoleucine.
Molecular consequence: missense variant.
Genome position (GRCh38, 1-based): chr18:6,986,159, T>A on the plus strand (A>T on the coding strand, the complement: LAMA1 is on the minus strand). VCF-style: chr18-6986159-T-A. GRCh37 (hg19) VCF-style: chr18-6986158-T-A.
Other names: short protein forms N1786I.
Identifiers: ClinVar variation 3766266 (VCV003766266.2).

ClinVar aggregate classification (germline): Uncertain significance (1 of 4 stars; one submission).

gnomAD v4.1: 1 of 1,614,244 alleles (0.000062%); highest among the groups gnomAD compares: African/African-American, 0.0013%; no homozygotes.

Submission:

GeneDx
Classification: Uncertain significance. Last evaluated: 2026-01-23. Review status: criteria provided, single submitter. Criteria: GeneDx Variant Classification Process June 2021. Collection method: clinical testing. Allele origin: germline.
Comment: Not observed at significant frequency in large population cohorts (gnomAD); In silico analysis supports that this missense variant has a deleterious effect on protein structure/function; Has not been previously published as pathogenic or benign to our knowledge